The following is an entry in ClinVar:

NM_030962.4(SBF2):c.2023A>C (p.Asn675His)

Genes: SBF2 (SET binding factor 2; minus strand), LOC101928008 (uncharacterized LOC101928008; plus strand). Cytogenetic location: 11p15.4.
Variant type: single nucleotide variant.
Coding change: c.2023A>C on transcript NM_030962.4 (MANE Select); coding-DNA position 2023, A replaced by C.
Protein change: p.Asn675His; replaces asparagine 675 with histidine.
Molecular consequence: missense variant.
Genome position (GRCh38, 1-based): chr11:9,858,303, T>G on the plus strand (A>C on the coding strand, the complement: SBF2 is on the minus strand). VCF-style: chr11-9858303-T-G. GRCh37 (hg19) VCF-style: chr11-9879850-T-G.
Other names: c.2023A>C, p.Asn675His (NM_001386339.1); c.1894A>C, p.Asn632His (NM_001386342.1); short protein forms N632H, N675H.
Identifiers: ClinVar variation 2116846 (VCV002116846.2), dbSNP rs1292571534, ClinGen allele CA379641746.

ClinVar aggregate classification (germline): Uncertain significance (1 of 4 stars; one submission).

Conditions:
Charcot-Marie-Tooth disease type 4. Also called: Charcot-Marie-Tooth, Type 4; Charcot-Marie-Tooth disease, type IV. Identifiers: Orphanet 64749, MedGen C4082197, MONDO:0018995.

Submission:

Labcorp Genetics (formerly Invitae), Labcorp
Classification: Uncertain significance for Charcot-Marie-Tooth disease type 4. Last evaluated: 2022-03-25. Review status: criteria provided, single submitter. Criteria: Invitae Variant Classification Sherloc (09022015). Collection method: clinical testing. Allele origin: germline.
Comment: In summary, the available evidence is currently insufficient to determine the role of this variant in disease. Therefore, it has been classified as a Variant of Uncertain Significance. Algorithms developed to predict the effect of missense changes on protein structure and function (SIFT, PolyPhen-2, Align-GVGD) all suggest that this variant is likely to be tolerated. This variant has not been reported in the literature in individuals affected with SBF2-related conditions. This variant is not present in population databases (gnomAD no frequency). This sequence change replaces asparagine, which is neutral and polar, with histidine, which is basic and polar, at codon 675 of the SBF2 protein (p.Asn675His).